The following is an entry in ClinVar:

ClinVar aggregate classification (germline): Uncertain significance. Review status: criteria provided, multiple submitters, no conflicts (2 of 4 stars). 4 submissions from 4 submitters: Uncertain significance (4). Last evaluated 2024-06-03.

Conditions:
Cardiovascular phenotype. Identifiers: MedGen CN230736.
Hereditary cancer-predisposing syndrome. Also called: Tumor predisposition; Neoplastic Syndromes, Hereditary; Hereditary neoplastic syndrome; Hereditary Cancer Syndrome. Identifiers: Orphanet 140162, MedGen C0027672, MeSH D009386, MONDO:0015356.
LZTR1-related schwannomatosis. Also called: Schwannomatosis-2, susceptibility to; Schwannomatosis 2. Identifiers: Orphanet 93921, MedGen C3810283, MONDO:0014299, OMIM 615670.

gnomAD v4.1: 2 of 1,612,196 alleles (0.00012%); highest among the groups gnomAD compares: Non-Finnish European, 0.00017%; no homozygotes.

Submissions (4):

Labcorp Genetics (formerly Invitae), Labcorp
Classification: Uncertain significance. Last evaluated: 2024-06-03. Review status: criteria provided, single submitter. Criteria: Invitae Variant Classification Sherloc (09022015). Collection method: clinical testing. Allele origin: germline.
Comment: This sequence change replaces arginine, which is basic and polar, with proline, which is neutral and non-polar, at codon 471 of the LZTR1 protein (p.Arg471Pro). This variant is present in population databases (no rsID available, gnomAD 0.002%). This variant has not been reported in the literature in individuals affected with LZTR1-related conditions. ClinVar contains an entry for this variant (Variation ID: 1513508). Advanced modeling of protein sequence and biophysical properties (such as structural, functional, and spatial information, amino acid conservation, physicochemical variation, residue mobility, and thermodynamic stability) performed at Invitae indicates that this missense variant is not expected to disrupt LZTR1 protein function with a negative predictive value of 80%. In summary, the available evidence is currently insufficient to determine the role of this variant in disease. Therefore, it has been classified as a Variant of Uncertain Significance.

Baylor Genetics
Classification: Uncertain significance for LZTR1-related schwannomatosis. Last evaluated: 2023-09-19. Review status: criteria provided, single submitter. Criteria: ACMG Guidelines, 2015. Collection method: clinical testing. Allele origin: unknown.

GeneDx
Classification: Uncertain significance. Last evaluated: 2023-04-11. Review status: criteria provided, single submitter. Criteria: GeneDx Variant Classification Process June 2021. Collection method: clinical testing. Allele origin: germline. Affected: yes.
Comment: Not observed at significant frequency in large population cohorts (gnomAD); In silico analysis supports that this missense variant has a deleterious effect on protein structure/function; Has not been previously published as pathogenic or benign to our knowledge

Ambry Genetics
Classification: Uncertain significance for Cardiovascular phenotype; Hereditary cancer-predisposing syndrome. Last evaluated: 2022-02-27. Review status: criteria provided, single submitter. Criteria: Ambry Variant Classification Scheme 2023. Collection method: clinical testing. Allele origin: germline.
Comment: The p.R471P variant (also known as c.1412G>C), located in coding exon 13 of the LZTR1 gene, results from a G to C substitution at nucleotide position 1412. The arginine at codon 471 is replaced by proline, an amino acid with dissimilar properties. This amino acid position is conserved. In addition, this alteration is predicted to be deleterious by in silico analysis. Since supporting evidence is limited at this time, the clinical significance of this alteration remains unclear.

NM_006767.4(LZTR1):c.1412G>C (p.Arg471Pro)

Gene: LZTR1 (leucine zipper like post translational regulator 1; plus strand). Cytogenetic location: 22q11.21.
Variant type: single nucleotide variant.
Coding change: c.1412G>C on transcript NM_006767.4 (MANE Select); coding-DNA position 1412, G replaced by C.
Protein change: p.Arg471Pro; replaces arginine 471 with proline.
Molecular consequence: missense variant.
Genome position (GRCh38, 1-based): chr22:20,993,982, G>C. VCF-style: chr22-20993982-G-C. GRCh37 (hg19) VCF-style: chr22-21348271-G-C.
Other names: short protein forms R471P.
Identifiers: ClinVar variation 1513508 (VCV001513508.11), dbSNP rs139031749, ClinGen allele CA410775222.